The following is an entry in ClinVar:

ClinVar aggregate classification (germline): Uncertain significance (1 of 4 stars; one submission).

Conditions:
EP300-related disorder. Also called: EP300-related condition; EP300-related disorders.

gnomAD v4.1: 1 of 1,614,010 alleles (0.000062%); highest among the groups gnomAD compares: African/African-American, 0.0013%; no homozygotes.

Submission:

PreventionGenetics, part of Exact Sciences
Classification: Uncertain significance for EP300-related condition. Last evaluated: 2026-06-17. Review status: criteria provided, single submitter. Criteria: ACMG Guidelines, 2015. Collection method: clinical testing. Allele origin: germline.
Comment: The EP300 c.6281A>C variant is predicted to result in the amino acid substitution p.Asn2094Thr. To our knowledge, this variant has not been reported in the literature or in a large population database (gnomAD), indicating this variant is rare. At this time, the clinical significance of this variant is uncertain due to the absence of conclusive functional and genetic evidence.

NM_001429.4(EP300):c.6281A>C (p.Asn2094Thr)

Gene: EP300 (EP300 lysine acetyltransferase; plus strand). Cytogenetic location: 22q13.2.
Variant type: single nucleotide variant.
Coding change: c.6281A>C on transcript NM_001429.4 (MANE Select); coding-DNA position 6281, A replaced by C.
Protein change: p.Asn2094Thr; replaces asparagine 2094 with threonine.
Molecular consequence: missense variant.
Genome position (GRCh38, 1-based): chr22:41,177,992, A>C. VCF-style: chr22-41177992-A-C. GRCh37 (hg19) VCF-style: chr22-41573996-A-C.
Other names: c.6203A>C, p.Asn2068Thr (NM_001362843.2); short protein forms N2094T, N2068T.
Identifiers: ClinVar variation 4996456 (VCV004996456.1).